The following is an entry in ClinVar:

NM_017775.4(TTC19):c.595G>T (p.Val199Phe)

Gene: TTC19 (tetratricopeptide repeat domain 19; plus strand). Cytogenetic location: 17p12.
Variant type: single nucleotide variant.
Coding change: c.595G>T on transcript NM_017775.4 (MANE Select); coding-DNA position 595, G replaced by T.
Protein change: p.Val199Phe; replaces valine 199 with phenylalanine.
Molecular consequence: missense variant.
Genome position (GRCh38, 1-based): chr17:16,006,487, G>T. VCF-style: chr17-16006487-G-T. GRCh37 (hg19) VCF-style: chr17-15909801-G-T.
Other names: c.274G>T, p.Val92Phe (NM_001271420.2); c.958G>T (NM_017775.2); short protein forms V199F, V92F.
Identifiers: ClinVar variation 1468605 (VCV001468605.7), dbSNP rs758093163, ClinGen allele CA8407467.

ClinVar aggregate classification (germline): Uncertain significance. Review status: criteria provided, multiple submitters, no conflicts (2 of 4 stars). 2 submissions from 2 submitters: Uncertain significance (2). Last evaluated 2025-12-08.

Conditions:
Inborn genetic diseases. Identifiers: MedGen C0950123, MeSH D030342.

Allele frequency attached by ClinVar (database versions not stated): TOPMed 0.00001; ExAC 0.00002; gnomAD exomes 0.00002.
gnomAD v4.1: 13 of 1,611,698 alleles (0.00081%); highest among the groups gnomAD compares: South Asian, 0.011%; no homozygotes.

Submissions (2):

Ambry Genetics
Classification: Uncertain significance for Inborn genetic diseases. Last evaluated: 2025-12-08. Review status: criteria provided, single submitter. Criteria: Ambry Variant Classification Scheme 2023. Collection method: clinical testing. Allele origin: germline.

Labcorp Genetics (formerly Invitae), Labcorp
Classification: Uncertain significance. Last evaluated: 2021-12-02. Review status: criteria provided, single submitter. Criteria: Invitae Variant Classification Sherloc (09022015). Collection method: clinical testing. Allele origin: germline.
Comment: In summary, the available evidence is currently insufficient to determine the role of this variant in disease. Therefore, it has been classified as a Variant of Uncertain Significance. Algorithms developed to predict the effect of missense changes on protein structure and function output the following: SIFT: "Tolerated"; PolyPhen-2: "Benign"; Align-GVGD: "Class C0". The phenylalanine amino acid residue is found in multiple mammalian species, which suggests that this missense change does not adversely affect protein function. This variant has not been reported in the literature in individuals affected with TTC19-related conditions. This variant is present in population databases (rs758093163, gnomAD 0.01%). This sequence change replaces valine, which is neutral and non-polar, with phenylalanine, which is neutral and non-polar, at codon 199 of the TTC19 protein (p.Val199Phe).